The following is an entry in ClinVar:

NM_006459.4(ERLIN1):c.653T>C (p.Ile218Thr)

Gene: ERLIN1 (ER lipid raft associated 1; minus strand). Cytogenetic location: 10q24.31.
Variant type: single nucleotide variant.
Coding change: c.653T>C on transcript NM_006459.4 (MANE Select); coding-DNA position 653, T replaced by C.
Protein change: p.Ile218Thr; replaces isoleucine 218 with threonine.
Molecular consequence: missense variant. On other transcripts: non-coding transcript variant (6).
Genome position (GRCh38, 1-based): chr10:100,164,006, A>G on the plus strand (T>C on the coding strand, the complement: ERLIN1 is on the minus strand). VCF-style: chr10-100164006-A-G. GRCh37 (hg19) VCF-style: chr10-101923763-A-G.
Other names: c.653T>C, p.Ile218Thr (NM_001100626.2, NM_001347857.2, NM_001347859.2 and 2 more transcripts); c.401T>C, p.Ile134Thr (NM_001347856.2); c.173T>C, p.Ile58Thr (NM_001347858.2); short protein forms I218T, I134T, I58T.
Identifiers: ClinVar variation 1373878 (VCV001373878.8), dbSNP rs1363645775, ClinGen allele CA378153358.

ClinVar aggregate classification (germline): Uncertain significance (1 of 4 stars; one submission).

Conditions:
Hereditary spastic paraplegia 62. Also called: Spastic paraplegia 62, autosomal recessive. Identifiers: Orphanet 401785, MedGen C4284588, MONDO:0014302, OMIM 615681.

Allele frequency attached by ClinVar (database versions not stated): gnomAD exomes below 0.00001; TOPMed 0.00001.
gnomAD v4.1: 2 of 1,599,482 alleles (0.00013%); highest among the groups gnomAD compares: African/African-American, 0.0013%; no homozygotes.

Submission:

Labcorp Genetics (formerly Invitae), Labcorp
Classification: Uncertain significance for Hereditary spastic paraplegia 62. Last evaluated: 2021-03-10. Review status: criteria provided, single submitter. Criteria: Invitae Variant Classification Sherloc (09022015). Collection method: clinical testing. Allele origin: germline.
Comment: This variant is not present in population databases (ExAC no frequency). This sequence change replaces isoleucine with threonine at codon 218 of the ERLIN1 protein (p.Ile218Thr). The isoleucine residue is highly conserved and there is a moderate physicochemical difference between isoleucine and threonine. This variant has not been reported in the literature in individuals with ERLIN1-related conditions. In summary, the available evidence is currently insufficient to determine the role of this variant in disease. Therefore, it has been classified as a Variant of Uncertain Significance. Algorithms developed to predict the effect of missense changes on protein structure and function (SIFT, PolyPhen-2, Align-GVGD) all suggest that this variant is likely to be disruptive, but these predictions have not been confirmed by published functional studies and their clinical significance is uncertain.